The following is an entry in ClinVar:

NM_005159.4(ACTC1):c.*1774G>A

Genes: ACTC1 (actin alpha cardiac muscle 1; minus strand), GJD2-DT (GJD2 divergent transcript; plus strand). Cytogenetic location: 15q14.
Variant type: single nucleotide variant.
Coding change: c.*1774G>A on transcript NM_005159.4; 1774 bases downstream of the stop codon, G replaced by A.
Genome position (GRCh38, 1-based): chr15:34,788,638, C>T on the plus strand (G>A on the coding strand, the complement: ACTC1 is on the minus strand). VCF-style: chr15-34788638-C-T. GRCh37 (hg19) VCF-style: chr15-35080839-C-T.
Identifiers: ClinVar variation 884885 (VCV000884885.8), dbSNP rs756269270, ClinGen allele CA268658494.

ClinVar aggregate classification (germline): Uncertain significance. Review status: criteria provided, single submitter (1 of 4 stars). 3 submissions from 2 submitters: Uncertain significance (2). 1 of the submissions does not count toward it. Last evaluated 2018-01-13.

Conditions:
Dilated cardiomyopathy 1R (CMD1R). Identifiers: Orphanet 154, Orphanet 54260, MedGen C3150681, MONDO:0013261, OMIM 613424.
ACTC1-related disorder. Also called: ACTC1-related condition.
Hypertrophic cardiomyopathy 11. Also called: ACTC1-Related Familial Hypertrophic Cardiomyopathy. Identifiers: MedGen C2677506, MONDO:0012799, OMIM 612098.

Allele frequency attached by ClinVar (database versions not stated): TOPMed 0.00008.

Submissions (3):

Illumina Laboratory Services, Illumina
Classification: Uncertain significance for Dilated cardiomyopathy 1R. Last evaluated: 2018-01-13. Review status: criteria provided, single submitter. Criteria: ICSL Variant Classification Criteria 13 December 2019. Collection method: clinical testing. Allele origin: germline.

Illumina Laboratory Services, Illumina
Classification: Uncertain significance for Hypertrophic cardiomyopathy 11. Last evaluated: 2018-01-13. Review status: criteria provided, single submitter. Criteria: ICSL Variant Classification Criteria 13 December 2019. Collection method: clinical testing. Allele origin: germline.

PreventionGenetics, part of Exact Sciences
Classification: Likely benign for ACTC1-related condition. Last evaluated: 2023-08-14. Review status: no assertion criteria provided. Collection method: clinical testing. Allele origin: germline. Not counted in ClinVar's aggregate classification.
Comment: This variant is classified as likely benign based on ACMG/AMP sequence variant interpretation guidelines (Richards et al. 2015 PMID: 25741868, with internal and published modifications).